The following is an entry in ClinVar:

NM_002361.4(MAG):c.1156G>A (p.Asp386Asn)

Gene: MAG (myelin associated glycoprotein; plus strand). Cytogenetic location: 19q13.12.
Variant type: single nucleotide variant.
Coding change: c.1156G>A on transcript NM_002361.4 (MANE Select); coding-DNA position 1156, G replaced by A.
Protein change: p.Asp386Asn; replaces aspartic acid 386 with asparagine.
Molecular consequence: missense variant.
Genome position (GRCh38, 1-based): chr19:35,302,633, G>A. VCF-style: chr19-35302633-G-A. GRCh37 (hg19) VCF-style: chr19-35793536-G-A.
Other names: c.1081G>A, p.Asp361Asn (NM_001199216.2); c.1156G>A, p.Asp386Asn (NM_080600.3); short protein forms D386N, D361N.
Identifiers: ClinVar variation 2090107 (VCV002090107.2), dbSNP rs1480468631, ClinGen allele CA405313488.
Genomic context (GRCh38, chr19:35,302,633, plus strand): 5'-CTGTCCACGGTCATCTACGAGAGCGAGCTGCAGCTGGAGCTGCCGGCCGTGTCACCCGAG[G>A]ATGATGGAGAGTACTGGTGTGTGGCTGAGAACCAGTATGGCCAGAGGGCCACCGCCTTCA-3'
Protein context (NP_002352.1, residues 376-396): QLELPAVSPE[Asp386Asn]DGEYWCVAEN

ClinVar aggregate classification (germline): Uncertain significance (1 of 4 stars; one submission).

Conditions:
Hereditary spastic paraplegia 75. Also called: Spastic paraplegia 75, autosomal recessive. Identifiers: Orphanet 459056, MedGen C4225250, MONDO:0014729, OMIM 616680.

Allele frequency attached by ClinVar (database versions not stated): gnomAD exomes below 0.00001.
gnomAD v4.1: 1 of 1,614,214 alleles (0.000062%); highest among the groups gnomAD compares: East Asian, 0.0022%; no homozygotes.

Submission:

Labcorp Genetics (formerly Invitae), Labcorp
Classification: Uncertain significance for Hereditary spastic paraplegia 75. Last evaluated: 2025-01-06. Review status: criteria provided, single submitter. Criteria: Invitae Variant Classification Sherloc (09022015). Collection method: clinical testing. Allele origin: germline.
Comment: This sequence change replaces aspartic acid, which is acidic and polar, with asparagine, which is neutral and polar, at codon 386 of the MAG protein (p.Asp386Asn). This variant is not present in population databases (gnomAD no frequency). This variant has not been reported in the literature in individuals affected with MAG-related conditions. ClinVar contains an entry for this variant (Variation ID: 2090107). Invitae Evidence Modeling of protein sequence and biophysical properties (such as structural, functional, and spatial information, amino acid conservation, physicochemical variation, residue mobility, and thermodynamic stability) indicates that this missense variant is not expected to disrupt MAG protein function with a negative predictive value of 80%. In summary, the available evidence is currently insufficient to determine the role of this variant in disease. Therefore, it has been classified as a Variant of Uncertain Significance.